The following is an entry in ClinVar:

NM_177438.3(DICER1):c.1538C>T (p.Thr513Ile)

Gene: DICER1 (dicer 1, ribonuclease III; minus strand). Cytogenetic location: 14q32.13.
Variant type: single nucleotide variant.
Coding change: c.1538C>T on transcript NM_177438.3 (MANE Select); coding-DNA position 1538, C replaced by T.
Protein change: p.Thr513Ile; replaces threonine 513 with isoleucine.
Molecular consequence: missense variant.
Genome position (GRCh38, 1-based): chr14:95,116,667, G>A on the plus strand (C>T on the coding strand, the complement: DICER1 is on the minus strand). VCF-style: chr14-95116667-G-A. GRCh37 (hg19) VCF-style: chr14-95583004-G-A.
Other names: c.1538C>T, p.Thr513Ile (NM_001195573.1, NM_001271282.3, NM_001291628.2 and 1 more transcripts); c.1538C>T (NM_177438.2); short protein forms T513I.
Identifiers: ClinVar variation 1389119 (VCV001389119.8), dbSNP rs2140126458, ClinGen allele CA390885144.

ClinVar aggregate classification (germline): Uncertain significance. Review status: criteria provided, multiple submitters, no conflicts (2 of 4 stars). 2 submissions from 2 submitters: Uncertain significance (2). Last evaluated 2025-05-12.

Conditions:
DICER1-related tumor predisposition. Also called: DICER1 syndrome; DICER1-related pleuropulmonary blastoma cancer predisposition syndrome. Identifiers: Orphanet 284343, MedGen C3839822, MONDO:0100216.
Hereditary cancer-predisposing syndrome. Also called: Hereditary neoplastic syndrome; Neoplastic Syndromes, Hereditary; Hereditary Cancer Syndrome; Tumor predisposition. Identifiers: Orphanet 140162, MedGen C0027672, MeSH D009386, MONDO:0015356.

Submissions (2):

Labcorp Genetics (formerly Invitae), Labcorp
Classification: Uncertain significance for DICER1-related tumor predisposition. Last evaluated: 2025-05-12. Review status: criteria provided, single submitter. Criteria: Invitae Variant Classification Sherloc (09022015). Collection method: clinical testing. Allele origin: germline.
Comment: This sequence change replaces threonine, which is neutral and polar, with isoleucine, which is neutral and non-polar, at codon 513 of the DICER1 protein (p.Thr513Ile). This variant is not present in population databases (gnomAD no frequency). This variant has not been reported in the literature in individuals affected with DICER1-related conditions. ClinVar contains an entry for this variant (Variation ID: 1389119). Invitae Evidence Modeling of protein sequence and biophysical properties (such as structural, functional, and spatial information, amino acid conservation, physicochemical variation, residue mobility, and thermodynamic stability) indicates that this missense variant is not expected to disrupt DICER1 protein function with a negative predictive value of 95%. In summary, the available evidence is currently insufficient to determine the role of this variant in disease. Therefore, it has been classified as a Variant of Uncertain Significance.

Ambry Genetics
Classification: Uncertain significance for Hereditary cancer-predisposing syndrome. Last evaluated: 2024-04-07. Review status: criteria provided, single submitter. Criteria: Ambry Variant Classification Scheme 2023. Collection method: clinical testing. Allele origin: germline.
Comment: The p.T513I variant (also known as c.1538C>T), located in coding exon 9 of the DICER1 gene, results from a C to T substitution at nucleotide position 1538. The threonine at codon 513 is replaced by isoleucine, an amino acid with similar properties. This amino acid position is conserved. In addition, the in silico prediction for this alteration is inconclusive. Based on the available evidence, the clinical significance of this variant remains unclear.